The following is an entry in ClinVar:

ClinVar aggregate classification (germline): Benign. Review status: criteria provided, multiple submitters, no conflicts (2 of 4 stars). 3 submissions from 3 submitters: Benign (3). Last evaluated 2026-09-08.

Conditions:
Fabry disease. Also called: GLA DEFICIENCY; HEREDITARY DYSTOPIC LIPIDOSIS; Angiokeratoma corporis diffusum; Ceramide trihexosidosis; Fabry's disease; ALPHA-GALACTOSIDASE A DEFICIENCY. Identifiers: Orphanet 324, MedGen C0002986, MONDO:0010526, OMIM 301500, HP:0001071. Disease mechanism: loss of function, Fabry disease is due to inactivating mutations in the X-linked GLA gene resulting in deficiency of the enzyme Alpha Galactosidase-A..

Allele frequency attached by ClinVar (database versions not stated): gnomAD exomes 0.04582; gnomAD 0.06497 and 0.06535; TOPMed 0.07622; 1000 Genomes Project 0.09748; 1000 Genomes Project 30x 0.10260.
gnomAD v4.1: 30,339 of 615,286 alleles (4.9%); highest among the groups gnomAD compares: African/African-American, 14%; 891 homozygotes.

Submissions (3):

Genomenon, Inc
Classification: Benign for Fabry disease. Last evaluated: 2026-09-08. Review status: criteria provided, single submitter. Criteria: Genomenon Sequence Variant Interpretation Standards - Updated. Collection method: curation. Allele origin: germline. Affected: no.
Comment: GLA c.639+68A>G is an intronic variant located in intron 4. This variant is present at high allele frequency in population databases. We classify GLA c.639+68A>G as a benign variant.

GeneDx
Classification: Benign. Last evaluated: 2015-03-03. Review status: criteria provided, single submitter. Criteria: GeneDx Variant Classification Process June 2021. Collection method: clinical testing. Allele origin: germline. Affected: yes.

Breakthrough Genomics
Classification: Benign. Review status: criteria provided, single submitter. Criteria: ACMG Guidelines, 2015. Collection method: not provided. Allele origin: germline. Inheritance: X-linked inheritance. Affected: yes.

NM_000169.3(GLA):c.639+68A>G

Genes: GLA (galactosidase alpha; minus strand), RPL36A-HNRNPH2 (RPL36A-HNRNPH2 readthrough; plus strand). Cytogenetic location: Xq22.1.
Variant type: single nucleotide variant.
Coding change: c.639+68A>G on transcript NM_000169.3 (MANE Select); 68 bases into the intron after coding-DNA position 639, A replaced by G.
Molecular consequence: intron variant.
Genome position (GRCh38, 1-based): chrX:101,400,598, T>C on the plus strand (A>G on the coding strand, the complement: GLA is on the minus strand). VCF-style: chrX-101400598-T-C. GRCh37 (hg19) VCF-style: chrX-100655586-T-C.
Other names: c.300+5141T>C (NM_001199973.2); c.177+8776T>C (NM_001199974.2); c.762+68A>G (NM_001406747.1); c.639+68A>G (NM_001406748.1).
Identifiers: ClinVar variation 1275736 (VCV001275736.4), dbSNP rs3027589, ClinGen allele CA352291.
Genomic context (GRCh38, chrX:101,400,598, plus strand): 5'-TTGGAACCTGGGAGAGATGGTAGGATGATAGTAAGTAACGTTGGACTTTGAAGGAGACCT[T>C]GGTTTCCTTTGTTGTCAAGTTCTATCTATCAGTACAGTTCTATTGGATTCTGGGCTCACT-3'